The following is an entry in ClinVar:

ClinVar aggregate classification (germline): Uncertain significance (1 of 4 stars; one submission).

Submission:

Labcorp Genetics (formerly Invitae), Labcorp
Classification: Uncertain significance. Last evaluated: 2021-05-08. Review status: criteria provided, single submitter. Criteria: Invitae Variant Classification Sherloc (09022015). Collection method: clinical testing. Allele origin: germline.
Comment: This variant has been observed in individual(s) with clinical features of osteogenesis imperfecta (Invitae). It has also been observed to segregate with disease in related individuals. This sequence change results in a frameshift in the SERPINF1 gene (p.Asp402Glnfs*21). While this is not anticipated to result in nonsense mediated decay, it is expected to disrupt the last 17 amino acid(s) of the SERPINF1 protein and extend the protein by 3 additional amino acid residues. This variant is not present in population databases (ExAC no frequency). In summary, the available evidence is currently insufficient to determine the role of this variant in disease. Therefore, it has been classified as a Variant of Uncertain Significance.

NM_002615.7(SERPINF1):c.1204_1207del (p.Asp402fs)

Gene: SERPINF1 (serpin family F member 1; plus strand). Cytogenetic location: 17p13.3.
Variant type: Deletion.
Coding change: c.1204_1207del on transcript NM_002615.7 (MANE Select); coding-DNA positions 1204 to 1207, 4 bases deleted (GACA; older notation c.1204_1207delGACA).
Protein change: p.Asp402fs; shifts the reading frame from aspartic acid 402.
Molecular consequence: frameshift variant.
Genome position (GRCh38, 1-based): chr17:1,777,393-1,777,396, GACA deleted; deleting any 4 consecutive bases within chr17:1,777,390-1,777,396 gives the same sequence; the c. name uses the placement nearest the transcript's 3' end. VCF-style (leftmost placement, unchanged base first): chr17-1777389-CACAG-C. GRCh37 (hg19) VCF-style: chr17-1680683-CACAG-C.
Other names: c.1204_1207del, p.Asp402fs (NM_001329903.2); c.643_646del, p.Asp215fs (NM_001329904.2, NM_001329905.2); short protein forms D402fs, D215fs.
Identifiers: ClinVar variation 1376647 (VCV001376647.8), dbSNP rs2151213604, ClinGen allele CA2573152975.